The following is an entry in ClinVar:

NM_001298.2(CNGA3):c.-286C>T

Gene: CNGA3 (cyclic nucleotide gated channel subunit alpha 3; plus strand). Cytogenetic location: 2q11.2.
Variant type: single nucleotide variant.
Coding change: c.-286C>T on transcript NM_001298.2; 286 bases upstream of the start codon, C replaced by T.
Genome position (GRCh38, 1-based): chr2:98,346,286, C>T. VCF-style: chr2-98346286-C-T. GRCh37 (hg19) VCF-style: chr2-98962749-C-T.
Identifiers: ClinVar variation 337649 (VCV000337649.8), dbSNP rs13408372, ClinGen allele CA10614690.

ClinVar aggregate classification (germline): Benign. Review status: criteria provided, multiple submitters, no conflicts (2 of 4 stars). 2 submissions from 2 submitters: Benign (2). Last evaluated 2018-01-13.

Conditions:
Achromatopsia 2 (ACHM2). Also called: ROD MONOCHROMACY 2; ROD MONOCHROMATISM 2; COLORBLINDNESS, TOTAL. Identifiers: Orphanet 49382, MedGen C1857618, MONDO:0009003, OMIM 216900.

Allele frequency attached by ClinVar (database versions not stated): 1000 Genomes Project 30x 0.09728; gnomAD 0.06490; TOPMed 0.08220; 1000 Genomes Project 0.10144.

Submissions (2):

Illumina Laboratory Services, Illumina
Classification: Benign for Achromatopsia 2. Last evaluated: 2018-01-13. Review status: criteria provided, single submitter. Criteria: ICSL Variant Classification Criteria 13 December 2019. Collection method: clinical testing. Allele origin: germline.
Comment: This variant was observed in the ICSL laboratory as part of a predisposition screen in an ostensibly healthy population. It had not been previously curated by ICSL or reported in the Human Gene Mutation Database (HGMD: prior to June 1st, 2018), and was therefore a candidate for classification through an automated scoring system. Utilizing variant allele frequency, disease prevalence and penetrance estimates, and inheritance mode, an automated score was calculated to assess if this variant is too frequent to cause the disease. Based on the score and internal cut-off values, a variant classified as benign is not then subjected to further curation. The score for this variant resulted in a classification of benign for this disease.

Breakthrough Genomics
Classification: Benign. Review status: criteria provided, single submitter. Criteria: ACMG Guidelines, 2015. Collection method: not provided. Allele origin: germline. Inheritance: Autosomal recessive inheritance. Affected: yes.